The following is an entry in ClinVar:

ClinVar aggregate classification (germline): Uncertain significance. Review status: criteria provided, multiple submitters, no conflicts (2 of 4 stars). 2 submissions from 2 submitters: Uncertain significance (2). Last evaluated 2025-03-31.

Allele frequency attached by ClinVar (database versions not stated): TOPMed 0.00001; gnomAD exomes 0.00002.

Submissions (2):

Labcorp Genetics (formerly Invitae), Labcorp
Classification: Uncertain significance. Last evaluated: 2025-03-31. Review status: criteria provided, single submitter. Criteria: Invitae Variant Classification Sherloc (09022015). Collection method: clinical testing. Allele origin: germline.
Comment: This sequence change replaces glycine, which is neutral and non-polar, with glutamic acid, which is acidic and polar, at codon 149 of the CDH3 protein (p.Gly149Glu). This variant is not present in population databases (gnomAD no frequency). This variant has not been reported in the literature in individuals affected with CDH3-related conditions. ClinVar contains an entry for this variant (Variation ID: 1917554). Invitae Evidence Modeling of protein sequence and biophysical properties (such as structural, functional, and spatial information, amino acid conservation, physicochemical variation, residue mobility, and thermodynamic stability) indicates that this missense variant is expected to disrupt CDH3 protein function with a positive predictive value of 80%. In summary, the available evidence is currently insufficient to determine the role of this variant in disease. Therefore, it has been classified as a Variant of Uncertain Significance.

Blueprint Genetics
Classification: Uncertain significance. Last evaluated: 2022-09-02. Review status: criteria provided, single submitter. Criteria: ACMG Guidelines, 2015. Collection method: clinical testing. Allele origin: germline.

NM_001793.6(CDH3):c.446G>A (p.Gly149Glu)

Gene: CDH3 (cadherin 3; plus strand). Cytogenetic location: 16q22.1.
Variant type: single nucleotide variant.
Coding change: c.446G>A on transcript NM_001793.6 (MANE Select); coding-DNA position 446, G replaced by A.
Protein change: p.Gly149Glu; replaces glycine 149 with glutamic acid.
Molecular consequence: missense variant.
Genome position (GRCh38, 1-based): chr16:68,678,556, G>A. VCF-style: chr16-68678556-G-A. GRCh37 (hg19) VCF-style: chr16-68712459-G-A.
Other names: c.446G>A, p.Gly149Glu (NM_001317195.3); c.281G>A, p.Gly94Glu (NM_001317196.2); short protein forms G94E, G149E.
Identifiers: ClinVar variation 1917554 (VCV001917554.4), dbSNP rs1961103144, ClinGen allele CA396448978.